The following is an entry in ClinVar:

NM_006922.4(SCN3A):c.5681C>T (p.Thr1894Ile)

Gene: SCN3A (sodium voltage-gated channel alpha subunit 3; minus strand). Cytogenetic location: 2q24.3.
Variant type: single nucleotide variant.
Coding change: c.5681C>T on transcript NM_006922.4 (MANE Select); coding-DNA position 5681, C replaced by T.
Protein change: p.Thr1894Ile; replaces threonine 1894 with isoleucine.
Molecular consequence: missense variant.
Genome position (GRCh38, 1-based): chr2:165,090,472, G>A on the plus strand (C>T on the coding strand, the complement: SCN3A is on the minus strand). VCF-style: chr2-165090472-G-A. GRCh37 (hg19) VCF-style: chr2-165946982-G-A.
Other names: c.5534C>T, p.Thr1845Ile (NM_001081676.2, NM_001081677.2); short protein forms T1894I, T1845I.
Identifiers: ClinVar variation 2714638 (VCV002714638.3), dbSNP rs2468037415, ClinGen allele CA349010287.

ClinVar aggregate classification (germline): Uncertain significance (1 of 4 stars; one submission).

Submission:

Labcorp Genetics (formerly Invitae), Labcorp
Classification: Uncertain significance. Last evaluated: 2024-06-30. Review status: criteria provided, single submitter. Criteria: Invitae Variant Classification Sherloc (09022015). Collection method: clinical testing. Allele origin: germline.
Comment: This sequence change replaces threonine, which is neutral and polar, with isoleucine, which is neutral and non-polar, at codon 1894 of the SCN3A protein (p.Thr1894Ile). This variant is not present in population databases (gnomAD no frequency). This variant has not been reported in the literature in individuals affected with SCN3A-related conditions. Advanced modeling of protein sequence and biophysical properties (such as structural, functional, and spatial information, amino acid conservation, physicochemical variation, residue mobility, and thermodynamic stability) performed at Invitae indicates that this missense variant is expected to disrupt SCN3A protein function with a positive predictive value of 80%. In summary, the available evidence is currently insufficient to determine the role of this variant in disease. Therefore, it has been classified as a Variant of Uncertain Significance.